The following is an entry in ClinVar:

NM_014629.4(ARHGEF10):c.2432C>T (p.Thr811Ile)

Gene: ARHGEF10 (Rho guanine nucleotide exchange factor 10; plus strand). Cytogenetic location: 8p23.3.
Variant type: single nucleotide variant.
Coding change: c.2432C>T on transcript NM_014629.4 (MANE Select); coding-DNA position 2432, C replaced by T.
Protein change: p.Thr811Ile; replaces threonine 811 with isoleucine.
Molecular consequence: missense variant.
Genome position (GRCh38, 1-based): chr8:1,923,818, C>T. VCF-style: chr8-1923818-C-T. GRCh37 (hg19) VCF-style: chr8-1871984-C-T.
Other names: c.2318C>T, p.Thr773Ile (NM_001308152.2, NM_001438094.1); c.2432C>T, p.Thr811Ile (NM_001308153.3); c.2435C>T, p.Thr812Ile (NM_001438091.1); c.2315C>T, p.Thr772Ile (NM_001438092.1, NM_001438093.1); short protein forms T812I, T773I, T772I, T811I, T835I.
Identifiers: ClinVar variation 4776200 (VCV004776200.1).
Genomic context (GRCh38, chr8:1,923,818, plus strand): 5'-CTGTTGTTTCTGGCAGATCTGGGCGACCGACGTTCTTTACAGCTGTGTTCAATACGTTCA[C>T]CCCTGCCATCAAGGAGTCCTGGGTCAACAGCTTACAGATGGCCAAGCTCGCCCTAGGTAA-3'
Protein context (NP_055444.2, residues 801-821): TFFTAVFNTF[Thr811Ile]PAIKESWVNS

ClinVar aggregate classification (germline): Uncertain significance (1 of 4 stars; one submission).

Submission:

Labcorp Genetics (formerly Invitae), Labcorp
Classification: Uncertain significance. Last evaluated: 2025-08-22. Review status: criteria provided, single submitter. Criteria: Invitae Variant Classification Sherloc (09022015). Collection method: clinical testing. Allele origin: germline.
Comment: This sequence change replaces threonine, which is neutral and polar, with isoleucine, which is neutral and non-polar, at codon 811 of the ARHGEF10 protein (p.Thr811Ile). This variant is not present in population databases (gnomAD no frequency). This variant has not been reported in the literature in individuals affected with ARHGEF10-related conditions. Invitae Evidence Modeling of protein sequence and biophysical properties (such as structural, functional, and spatial information, amino acid conservation, physicochemical variation, residue mobility, and thermodynamic stability) indicates that this missense variant is not expected to disrupt ARHGEF10 protein function with a negative predictive value of 80%. In summary, the available evidence is currently insufficient to determine the role of this variant in disease. Therefore, it has been classified as a Variant of Uncertain Significance.